The following is an entry in ClinVar:

NM_000124.4(ERCC6):c.2047C>T (p.Arg683Ter)

Gene: ERCC6 (ERCC excision repair 6, chromatin remodeling factor; minus strand). Cytogenetic location: 10q11.23.
Variant type: single nucleotide variant.
Coding change: c.2047C>T on transcript NM_000124.4 (MANE Select); coding-DNA position 2047, C replaced by T.
Protein change: p.Arg683Ter; replaces arginine 683 with a stop codon.
Molecular consequence: nonsense.
Genome position (GRCh38, 1-based): chr10:49,482,809, G>A on the plus strand (C>T on the coding strand, the complement: ERCC6 is on the minus strand). VCF-style: chr10-49482809-G-A. GRCh37 (hg19) VCF-style: chr10-50690855-G-A.
Other names: c.2047C>T, p.Arg683Ter (NM_001346440.2); short protein forms R683*.
Identifiers: ClinVar variation 1711 (VCV000001711.23), dbSNP rs121917904, ClinGen allele CA115159.

ClinVar aggregate classification (germline): Pathogenic/Likely pathogenic. Review status: criteria provided, multiple submitters, no conflicts (2 of 4 stars). 9 submissions from 9 submitters: Pathogenic (5); Likely pathogenic (1). 3 of the submissions do not count toward it. Last evaluated 2025-09-10.

Conditions:
Age related macular degeneration 5. Identifiers: MedGen C3151063, MONDO:0013409, OMIM 613761.
Cerebrooculofacioskeletal syndrome 1 (COFS1). Also called: Cerebro-oculo-facio-skeletal syndrome 1. Identifiers: MedGen C0220722, MONDO:0008955, OMIM 214150.
Premature ovarian failure 11 (POF11). Identifiers: MedGen C4310783, MONDO:0014843, OMIM 616946.
Lung cancer. Also called: Malignant tumor of lung; Lung cancer, somatic. Identifiers: MedGen C0242379, MONDO:0008903, OMIM 211980.
UV-sensitive syndrome 1 (UVSS1). Identifiers: Orphanet 178338, MedGen C3551173, MONDO:0010909, OMIM 600630.
Cockayne syndrome type 2 (CSB). Also called: COCKAYNE SYNDROME B; Cockayne Syndrome, Type II. Identifiers: Orphanet 191, Orphanet 90322, MedGen C0751038, MONDO:0019570, OMIM 133540.
DE SANCTIS-CACCHIONE SYNDROME. Identifiers: MedGen C0265201, MONDO:0010217, OMIM 278800.
ERCC6-related disorder. Also called: ERCC6-related disorders; ERCC6-related condition. Identifiers: MedGen CN239385.

Allele frequency attached by ClinVar (database versions not stated): gnomAD exomes 0.00002; TOPMed 0.00002; ExAC 0.00003; gnomAD 0.00003 and 0.00004.

Submissions (9):

Genomic Medicine Center of Excellence, King Faisal Specialist Hospital and Research Centre
Classification: Pathogenic for Cockayne syndrome type 2. Last evaluated: 2025-09-10. Review status: criteria provided, single submitter. Criteria: ACMG Guidelines, 2015. Collection method: clinical testing. Allele origin: germline.

Blueprint Genetics
Classification: Pathogenic for ERCC6-related disorders. Last evaluated: 2024-06-19. Review status: criteria provided, single submitter. Criteria: ACMG Guidelines, 2015. Collection method: clinical testing. Allele origin: germline. Affected: yes. Observed: 5 variant alleles.

Fulgent Genetics
Classification: Pathogenic for Cockayne syndrome type 2; Lung cancer; Cerebrooculofacioskeletal syndrome 1; DE SANCTIS-CACCHIONE SYNDROME; UV-sensitive syndrome 1; Age related macular degeneration 5; Premature ovarian failure 11. Last evaluated: 2024-02-14. Review status: criteria provided, single submitter. Criteria: ACMG Guidelines, 2015. Collection method: clinical testing. Allele origin: germline.

Labcorp Genetics (formerly Invitae), Labcorp
Classification: Pathogenic. Last evaluated: 2024-02-01. Review status: criteria provided, single submitter. Criteria: Invitae Variant Classification Sherloc (09022015). Collection method: clinical testing. Allele origin: germline.
Comment: This sequence change creates a premature translational stop signal (p.Arg683*) in the ERCC6 gene. It is expected to result in an absent or disrupted protein product. Loss-of-function variants in ERCC6 are known to be pathogenic (PMID: 18628313, 29572252). This variant is present in population databases (rs121917904, gnomAD 0.006%). This premature translational stop signal has been observed in individual(s) with Cockayne syndrome (PMID: 18628313, 29572252). ClinVar contains an entry for this variant (Variation ID: 1711). For these reasons, this variant has been classified as Pathogenic.

Baylor Genetics
Classification: Pathogenic for Cerebrooculofacioskeletal syndrome 1. Last evaluated: 2019-11-20. Review status: criteria provided, single submitter. Criteria: ACMG Guidelines, 2015. Collection method: clinical testing. Allele origin: unknown. Affected: yes.
Comment: This variant was determined to be pathogenic according to ACMG Guidelines, 2015 [PMID:25741868].

Illumina Laboratory Services, Illumina
Classification: Likely pathogenic for ERCC6-Related Disorders. Last evaluated: 2017-07-24. Review status: criteria provided, single submitter. Criteria: ICSL Variant Classification Criteria 09 May 2019. Collection method: clinical testing. Allele origin: germline.
Comment: The ERCC6 c.2047C>T (p.Arg683Ter) variant is a stop-gained variant predicted to result in premature termination of the protein. The p.Arg683Ter variant been reported in two studies in which it is found in two patients including one homozygote with cerebrooculofacioskeletal syndrome (CFSS) and one compound heterozygote with Cockayne syndrome (Laugel et al. 2008; Calmels et al. 2016). Control data are not available for the p.Arg683Ter variant which is reported at a frequency of 0.00005 in the European (non-Finnish) population of the Exome Aggregation Consortium. Western blot analysis demonstrated that the variant resulted in an absence of protein. Complementation assays in CFSS patient fibroblasts transfected with wild type ERCC6 demonstrated rescue of DNA repair deficiency (Laugel et al. 2008). Although the p.Arg683Ter variant is described in the literature in association with autosomal recessive inheritance, an increased risk for macular degeneration due to heterozygous variants may exist. Due to the potential impact of stop-gained variants and evidence from the literature, the p.Arg683Ter variant is classified as likely pathogenic for ERCC6-related disorders. This variant was observed by ICSL as part of a predisposition screen in an ostensibly healthy population.

Royal Medical Services, Bahrain Defence Force Hospital
Classification: Pathogenic for Cockayne syndrome type 2. Last evaluated: 2022-05-27. Review status: no assertion criteria provided. Collection method: clinical testing. Allele origin: inherited. Inheritance: Autosomal recessive inheritance. Affected: yes. Observed: 1 homozygote. Not counted in ClinVar's aggregate classification.

Counsyl
Classification: Pathogenic for DE SANCTIS-CACCHIONE SYNDROME. Last evaluated: 2017-01-13. Review status: no assertion criteria provided. Collection method: clinical testing. Allele origin: unknown. Not counted in ClinVar's aggregate classification.

OMIM
Classification: Pathogenic for CEREBROOCULOFACIOSKELETAL SYNDROME 1. Last evaluated: 2008-09-01. Review status: no assertion criteria provided. Collection method: literature only. Allele origin: germline. Not counted in ClinVar's aggregate classification.

Literature cited by the submitters: PubMed 18628313 (cited by 4 submitters); PubMed 29572252 (cited by Labcorp Genetics (formerly Invitae), Labcorp); PubMed 27004399 (cited by Illumina Laboratory Services, Illumina and Counsyl); PubMed 14639525 (cited by Royal Medical Services, Bahrain Defence Force Hospital).